The following is an entry in ClinVar:

ClinVar aggregate classification (germline): Pathogenic (1 of 4 stars; one submission).

Conditions:
Mitochondrial complex V (ATP synthase) deficiency, nuclear type 2. Also called: ENCEPHALOCARDIOMYOPATHY, MITOCHONDRIAL, NEONATAL, DUE TO ATP SYNTHASE DEFICIENCY; MITOCHONDRIAL COMPLEX V (ATP SYNTHASE) DEFICIENCY, TMEM70 TYPE; Nuclear-Encoded ATPase Deficiency, TMEM70-Related. Identifiers: Orphanet 1194, MedGen C3279699, MONDO:0013546, OMIM 614052.

Submission:

Labcorp Genetics (formerly Invitae), Labcorp
Classification: Pathogenic for Nuclearly-encoded mitochondrial complex V (ATP synthase) deficiency 2. Last evaluated: 2018-02-02. Review status: criteria provided, single submitter. Criteria: Invitae Variant Classification Sherloc (09022015). Collection method: clinical testing. Allele origin: germline.
Comment: A gross deletion of the genomic region encompassing the full coding sequence of the TMEM70 gene has been identified. The boundaries of this event are unknown as the deletion extends beyond the assayed region for this gene and therefore may encompass additional genes. this variant has not been reported in individuals affected with TMEM70-related disease. Loss-of-function variants in TMEM70 are known to be pathogenic (PMID: 18953340, 21147908). For these reasons, this variant has been classified as Pathogenic.

NC_000008.11:g.(?_73976262)_(73981641_?)del

Genes: TMEM70 (transmembrane protein 70; plus strand), LOC130000614 (ATAC-STARR-seq lymphoblastoid silent region 19297; plus strand). Cytogenetic location: 8q21.11.
Variant type: Deletion.
Identifiers: ClinVar variation 583679 (VCV000583679.1).